The following is an entry in ClinVar:

NM_004360.5(CDH1):c.289C>A (p.His97Asn)

Gene: CDH1 (cadherin 1; plus strand). Cytogenetic location: 16q22.1.
Variant type: single nucleotide variant.
Coding change: c.289C>A on transcript NM_004360.5 (MANE Select); coding-DNA position 289, C replaced by A.
Protein change: p.His97Asn; replaces histidine 97 with asparagine.
Molecular consequence: missense variant. On other transcripts: 5 prime UTR variant (2).
Genome position (GRCh38, 1-based): chr16:68,801,795, C>A. VCF-style: chr16-68801795-C-A. GRCh37 (hg19) VCF-style: chr16-68835698-C-A.
Other names: c.289C>A, p.His97Asn (NM_001317184.2); c.-1327C>A (NM_001317185.2); c.-1531C>A (NM_001317186.2); short protein forms H97N.
Identifiers: ClinVar variation 1503786 (VCV001503786.6), dbSNP rs587778173, ClinGen allele CA396457313.

ClinVar aggregate classification (germline): Uncertain significance (1 of 4 stars; one submission).

Conditions:
Hereditary diffuse gastric adenocarcinoma (HDGC). Also called: DIFFUSE GASTRIC AND LOBULAR BREAST CANCER SYNDROME. Identifiers: Orphanet 26106, MedGen C1708349, MONDO:0007648, OMIM 137215.

Submission:

Labcorp Genetics (formerly Invitae), Labcorp
Classification: Uncertain significance for Hereditary diffuse gastric adenocarcinoma. Last evaluated: 2021-09-07. Review status: criteria provided, single submitter. Criteria: Invitae Variant Classification Sherloc (09022015). Collection method: clinical testing. Allele origin: germline.
Comment: This sequence change replaces histidine with asparagine at codon 97 of the CDH1 protein (p.His97Asn). The histidine residue is weakly conserved and there is a small physicochemical difference between histidine and asparagine. In summary, the available evidence is currently insufficient to determine the role of this variant in disease. Therefore, it has been classified as a Variant of Uncertain Significance. Algorithms developed to predict the effect of missense changes on protein structure and function (SIFT, PolyPhen-2, Align-GVGD) all suggest that this variant is likely to be tolerated. This variant has not been reported in the literature in individuals affected with CDH1-related conditions. This variant is not present in population databases (ExAC no frequency).